The following is an entry in ClinVar:

ClinVar aggregate classification (germline): Conflicting classifications of pathogenicity. Review status: criteria provided, conflicting classifications (1 of 4 stars). 2 submissions from 2 submitters: Likely pathogenic (1); Uncertain significance (1). Last evaluated 2024-04-23.

Conditions:
Lysinuric protein intolerance (LPI). Identifiers: Orphanet 470, MedGen C0268647, MONDO:0009109, OMIM 222700.

Allele frequency attached by ClinVar (database versions not stated): gnomAD exomes below 0.00001.
gnomAD v4.1: 2 of 1,614,130 alleles (0.00012%); highest among the groups gnomAD compares: South Asian, 0.0011%; no homozygotes.

Submissions (2):

Fulgent Genetics
Classification: Likely pathogenic for Lysinuric protein intolerance. Last evaluated: 2024-04-23. Review status: criteria provided, single submitter. Criteria: ACMG Guidelines, 2015. Collection method: clinical testing. Allele origin: germline.

Women's Health and Genetics/Laboratory Corporation of America, LabCorp
Classification: Uncertain significance. Last evaluated: 2024-04-19. Review status: criteria provided, single submitter. Criteria: LabCorp Variant Classification Summary - May 2015. Collection method: clinical testing. Allele origin: germline.
Comment: Variant summary: SLC7A7 c.235G>A (p.Gly79Arg) results in a non-conservative amino acid change in the encoded protein sequence. Four of five in-silico tools predict a damaging effect of the variant on protein function. The variant allele was found at a frequency of 4e-06 in 251432 control chromosomes (gnomAD). c.235G>A has been reported in the literature in individuals affected with Lysinuric Protein Intolerance (e.g. Habib_2016). These data indicate that the variant may be associated with disease. To our knowledge, no experimental evidence demonstrating an impact on protein function has been reported. The following publications have been ascertained in the context of this evaluation (PMID: 28028301, 34134972). No submitters have cited clinical-significance assessments for this variant to ClinVar. Based on the evidence outlined above, the variant was classified as VUS-possibly pathogenic.

Literature cited by the submitters: PubMed 28028301 (cited by Women's Health and Genetics/Laboratory Corporation of America, LabCorp); PubMed 34134972 (cited by Women's Health and Genetics/Laboratory Corporation of America, LabCorp).

NM_003982.4(SLC7A7):c.235G>A (p.Gly79Arg)

Gene: SLC7A7 (solute carrier family 7 member 7; minus strand). Cytogenetic location: 14q11.2.
Variant type: single nucleotide variant.
Coding change: c.235G>A on transcript NM_003982.4 (MANE Select); coding-DNA position 235, G replaced by A.
Protein change: p.Gly79Arg; replaces glycine 79 with arginine.
Molecular consequence: missense variant.
Genome position (GRCh38, 1-based): chr14:22,813,164, C>T on the plus strand (G>A on the coding strand, the complement: SLC7A7 is on the minus strand). VCF-style: chr14-22813164-C-T. GRCh37 (hg19) VCF-style: chr14-23282373-C-T.
Other names: c.235G>A, p.Gly79Arg (NM_001126105.3, NM_001126106.4); short protein forms G79R.
Identifiers: ClinVar variation 3251850 (VCV003251850.2), dbSNP rs1284258930.